The following is an entry in ClinVar:

ClinVar aggregate classification (germline): Uncertain significance (1 of 4 stars; one submission).

Submission:

Labcorp Genetics (formerly Invitae), Labcorp
Classification: Uncertain significance. Last evaluated: 2025-08-20. Review status: criteria provided, single submitter. Criteria: Invitae Variant Classification Sherloc (09022015). Collection method: clinical testing. Allele origin: germline.
Comment: This sequence change falls in intron 28 of the FLNB gene. It does not directly change the encoded amino acid sequence of the FLNB protein. This variant is not present in population databases (gnomAD no frequency). This variant has not been reported in the literature in individuals affected with FLNB-related conditions. Experimental studies and prediction algorithms are not available or were not evaluated, and the effect of this variant on mRNA splicing is currently unknown. In summary, the available evidence is currently insufficient to determine the role of this variant in disease. Therefore, it has been classified as a Variant of Uncertain Significance.

NM_001457.4(FLNB):c.4861+3_4861+18dup

Gene: FLNB (filamin B; plus strand). Cytogenetic location: 3p14.3.
Variant type: Duplication.
Coding change: c.4861+3_4861+18dup on transcript NM_001457.4 (MANE Select); bases 3 to 18 of the intron after coding-DNA position 4861, 16 bases duplicated (GAGTACAGGGCATCTC).
Molecular consequence: intron variant.
Genome position (GRCh38, 1-based): chr3:58,136,171-58,136,186, GAGTACAGGGCATCTC duplicated. VCF-style (leftmost placement, unchanged base first): chr3-58136170-T-TGAGTACAGGGCATCTC. GRCh37 (hg19) VCF-style: chr3-58121897-T-TGAGTACAGGGCATCTC.
Other names: c.4954+3_4954+18dup (NM_001164317.2); c.4861+3_4861+18dup (NM_001164318.2, NM_001164319.2).
Identifiers: ClinVar variation 4773313 (VCV004773313.1).